The following is an entry in ClinVar:

ClinVar aggregate classification (germline): Likely benign. Review status: criteria provided, multiple submitters, no conflicts (2 of 4 stars). 3 submissions from 3 submitters: Likely benign (3). Last evaluated 2025-11-05.

Conditions:
Dilated cardiomyopathy 1G (CMD1G). Identifiers: Orphanet 154, MedGen C1858763, MONDO:0011400, OMIM 604145.
Autosomal recessive limb-girdle muscular dystrophy type 2J (LGMDR10). Also called: Limb-girdle muscular dystrophy, type 2J; MUSCULAR DYSTROPHY, LIMB-GIRDLE, AUTOSOMAL RECESSIVE 10. Identifiers: Orphanet 140922, MedGen C1837342, MONDO:0012127, OMIM 608807.
Cardiovascular phenotype. Identifiers: MedGen CN230736.

Allele frequency attached by ClinVar (database versions not stated): gnomAD exomes below 0.00001; TOPMed 0.00002; gnomAD 0.00003.
gnomAD v4.1: 28 of 1,613,216 alleles (0.0017%); highest among the groups gnomAD compares: Non-Finnish European, 0.0023%; no homozygotes.

Submissions (3):

Labcorp Genetics (formerly Invitae), Labcorp
Classification: Likely benign for Dilated cardiomyopathy 1G; Autosomal recessive limb-girdle muscular dystrophy type 2J. Last evaluated: 2025-11-05. Review status: criteria provided, single submitter. Criteria: Invitae Variant Classification Sherloc (09022015). Collection method: clinical testing. Allele origin: germline.

Ambry Genetics
Classification: Likely benign for Cardiovascular phenotype. Last evaluated: 2022-03-23. Review status: criteria provided, single submitter. Criteria: Ambry Variant Classification Scheme 2023. Collection method: clinical testing. Allele origin: germline.

Laboratory for Molecular Medicine, Mass General Brigham Personalized Medicine
Classification: Likely benign. Last evaluated: 2013-04-20. Review status: criteria provided, single submitter. Criteria: LMM Criteria. Collection method: clinical testing. Allele origin: germline. Observed: 1 variant allele.
Comment: Leu19945Leu in exon 268 of TTN: This variant is not expected to have clinical si gnificance because it does not alter an amino acid residue and is not located wi thin the splice consensus sequence. It has not been reported in individuals with cardiomyopathy or in large population studies. Leu19945Leu variant in TTN (al lele frequency = n/a)

NM_001267550.2(TTN):c.67537T>C (p.Leu22513=)

Genes: TTN-AS1 (TTN antisense RNA 1; plus strand), TTN (titin; minus strand), LOC126806423 (CDK7 strongly-dependent group 2 enhancer GRCh37_chr2:179443309-179444508; plus strand). Cytogenetic location: 2q31.2.
Variant type: single nucleotide variant.
Coding change: c.67537T>C on transcript NM_001267550.2 (MANE Select); coding-DNA position 67537, T replaced by C.
Protein change: p.Leu22513=; no amino-acid change (leucine 22513 retained).
Molecular consequence: synonymous variant.
Genome position (GRCh38, 1-based): chr2:178,579,660, A>G on the plus strand (T>C on the coding strand, the complement: TTN is on the minus strand). VCF-style: chr2-178579660-A-G. GRCh37 (hg19) VCF-style: chr2-179444387-A-G.
Other names: c.59833T>C, p.Leu19945= (NM_133378.4); c.62614T>C, p.Leu20872= (NM_001256850.1); c.40342T>C, p.Leu13448= (NM_003319.4); c.40717T>C, p.Leu13573= (NM_133432.3); c.40918T>C, p.Leu13640= (NM_133437.4).
Identifiers: ClinVar variation 178875 (VCV000178875.17), dbSNP rs727504507, ClinGen allele CA183206.